The following is an entry in ClinVar:

NM_025083.5(EDC3):c.282C>T (p.Gly94=)

Gene: EDC3 (enhancer of mRNA decapping 3; minus strand). Cytogenetic location: 15q24.1.
Variant type: single nucleotide variant.
Coding change: c.282C>T on transcript NM_025083.5 (MANE Select); coding-DNA position 282, C replaced by T.
Protein change: p.Gly94=; no amino-acid change (glycine 94 retained).
Molecular consequence: synonymous variant. On other transcripts: 5 prime UTR variant (1).
Genome position (GRCh38, 1-based): chr15:74,671,657, G>A on the plus strand (C>T on the coding strand, the complement: EDC3 is on the minus strand). VCF-style: chr15-74671657-G-A. GRCh37 (hg19) VCF-style: chr15-74963998-G-A.
Other names: c.282C>T, p.Gly94= (NM_001142443.3, NM_001142444.3, NM_001351378.2); c.-154C>T (NM_001351379.2).
Identifiers: ClinVar variation 2645544 (VCV002645544.24), dbSNP rs2505424861, ClinGen allele CA491488510.
Genomic context (GRCh38, chr15:74,671,657, plus strand): 5'-AGGGGCACTGCTGGAAGAGGCTGGCTTCTTGACAAACTTGCCTGTGCCATTCTGATTGAT[G>A]CCCACTTGGCAGCCAGCACCAGAGGGGCCTAATTCTGTTTGATGAAGGTCTCCAAAATGT-3'
Protein context (NP_079359.2, residues 84-104): LGPSGAGCQV[Gly94=]INQNGTGKFV

ClinVar aggregate classification (germline): Likely benign (1 of 4 stars; one submission).

Submission:

CeGaT Center for Human Genetics Tuebingen
Classification: Likely benign. Last evaluated: 2022-06-01. Review status: criteria provided, single submitter. Criteria: CeGaT Center For Human Genetics Tuebingen Variant Classification Criteria Version 2. Collection method: clinical testing. Allele origin: germline. Affected: yes. Observed: 1 variant allele.
Comment: EDC3: PM2:Supporting, BP4, BP7